The following is an entry in ClinVar:

NM_000273.3(GPR143):c.455+5T>C

Gene: GPR143 (G protein-coupled receptor 143; minus strand). Cytogenetic location: Xp22.2.
Variant type: single nucleotide variant.
Coding change: c.455+5T>C on transcript NM_000273.3 (MANE Select); 5 bases into the intron after coding-DNA position 455, T replaced by C.
Molecular consequence: intron variant.
Genome position (GRCh38, 1-based): chrX:9,759,327, A>G on the plus strand (T>C on the coding strand, the complement: GPR143 is on the minus strand). VCF-style: chrX-9759327-A-G. GRCh37 (hg19) VCF-style: chrX-9727367-A-G.
Other names: c.455+5T>C (NM_000273.2).
Identifiers: ClinVar variation 1487546 (VCV001487546.7), dbSNP rs768418077, ClinGen allele CA10345027.
Genomic context (GRCh38, chrX:9,759,327, plus strand): 5'-GTGCCATCTCTTATCTTCCCTCTAAAATAGAACTAGGGCAGAAATCCCATTTCCTCGGTG[A>G]ATACCTCAGTCCTGCCGATCTCCGGATCACCAGATAAGCATCCACTGCATAGCAAAACAG-3'

ClinVar aggregate classification (germline): Uncertain significance. Review status: criteria provided, single submitter (1 of 4 stars). 2 submissions from 2 submitters: Uncertain significance (1). 1 of the submissions does not count toward it. Last evaluated 2024-06-20.

Conditions:
GPR143-related disorder. Also called: GPR143-related condition.

Allele frequency attached by ClinVar (database versions not stated): gnomAD 0.00001; gnomAD exomes 0.00001 and 0.00003; TOPMed 0.00003; ExAC 0.00006.
gnomAD v4.1: 8 of 1,130,850 alleles (0.00071%); highest among the groups gnomAD compares: Admixed American, 0.018%; no homozygotes.

Submissions (2):

Labcorp Genetics (formerly Invitae), Labcorp
Classification: Uncertain significance. Last evaluated: 2024-06-20. Review status: criteria provided, single submitter. Criteria: Invitae Variant Classification Sherloc (09022015). Collection method: clinical testing. Allele origin: germline.
Comment: This sequence change falls in intron 3 of the GPR143 gene. It does not directly change the encoded amino acid sequence of the GPR143 protein. It affects a nucleotide within the consensus splice site. This variant is present in population databases (rs768418077, gnomAD 0.02%). This variant has not been reported in the literature in individuals affected with GPR143-related conditions. ClinVar contains an entry for this variant (Variation ID: 1487546). Variants that disrupt the consensus splice site are a relatively common cause of aberrant splicing (PMID: 17576681, 9536098). Algorithms developed to predict the effect of sequence changes on RNA splicing suggest that this variant is not likely to affect RNA splicing. In summary, the available evidence is currently insufficient to determine the role of this variant in disease. Therefore, it has been classified as a Variant of Uncertain Significance.

PreventionGenetics, part of Exact Sciences
Classification: Likely benign for GPR143-related condition. Last evaluated: 2024-08-15. Review status: no assertion criteria provided. Collection method: clinical testing. Allele origin: germline. Not counted in ClinVar's aggregate classification.
Comment: This variant is classified as likely benign based on ACMG/AMP sequence variant interpretation guidelines (Richards et al. 2015 PMID: 25741868, with internal and published modifications).

Literature cited by the submitters: PubMed 17576681 (cited by Labcorp Genetics (formerly Invitae), Labcorp); PubMed 9536098 (cited by Labcorp Genetics (formerly Invitae), Labcorp).